The following is an entry in ClinVar:

ClinVar aggregate classification (germline): Conflicting classifications of pathogenicity. Review status: criteria provided, conflicting classifications (1 of 4 stars). 10 submissions from 9 submitters: Uncertain significance (4); Likely benign (5). 1 of the submissions does not count toward it. Last evaluated 2026-02-25.

Conditions:
COL11A1-related disorder. Also called: COL11A1-related disorders; COL11A1-related condition.
Inborn genetic diseases. Identifiers: MedGen C0950123, MeSH D030342.
Fibrochondrogenesis 1 (FBCG1). Identifiers: Orphanet 2021, MedGen C3278138, MONDO:0009226, OMIM 228520.
Stickler syndrome type 2 (STL2). Also called: COL11A1-Related Stickler Syndrome; STICKLER SYNDROME, BEADED VITREOUS TYPE; STICKLER SYNDROME, VITREOUS TYPE 2; STICKLER SYNDROME, TYPE II. Identifiers: Orphanet 828, Orphanet 90654, MedGen C1858084, MONDO:0011493, OMIM 604841.

Allele frequency attached by ClinVar (database versions not stated): ESP Exome Variant Server 0.00015; TOPMed 0.00030; gnomAD exomes 0.00031 and 0.00061; gnomAD 0.00036 and 0.00039; ExAC 0.00060.
gnomAD v4.1: 533 of 1,611,524 alleles (0.033%); highest among the groups gnomAD compares: Middle Eastern, 0.35%; 1 homozygote.

Submissions (10):

Women's Health and Genetics/Laboratory Corporation of America, LabCorp
Classification: Likely benign. Last evaluated: 2026-02-25. Review status: criteria provided, single submitter. Criteria: LabCorp Variant Classification Summary - May 2015. Collection method: clinical testing. Allele origin: germline.
Comment: Variant summary: COL11A1 c.4057G>A (p.Ala1353Thr) results in a non-conservative amino acid change in the encoded protein sequence. Algorithms developed to predict the effect of missense changes on protein structure and function all suggest that this variant is likely to be disruptive. The variant allele was found at a frequency of 0.00061 in 247440 control chromosomes, predominantly at a frequency of 0.008 within the Ashkenazi Jewish subpopulation in the gnomAD database. The observed variant frequency within Ashkenazi Jewish control individuals in the gnomAD database exceeds the estimated maximal expected allele frequency for disease-causing variants in COL11A1. To our knowledge, no occurrence of c.4057G>A in individuals affected with COL11A1-related conditions and no experimental evidence demonstrating its impact on protein function have been reported. ClinVar contains an entry for this variant (Variation ID: 197964). Based on the evidence outlined above, the variant was classified as likely benign.

Labcorp Genetics (formerly Invitae), Labcorp
Classification: Likely benign. Last evaluated: 2025-12-28. Review status: criteria provided, single submitter. Criteria: Invitae Variant Classification Sherloc (09022015). Collection method: clinical testing. Allele origin: germline.

CeGaT Center for Human Genetics Tuebingen
Classification: Likely benign. Last evaluated: 2025-07-01. Review status: criteria provided, single submitter. Criteria: CeGaT Center For Human Genetics Tuebingen Variant Classification Criteria Version 2. Collection method: clinical testing. Allele origin: germline. Affected: yes. Observed: 3 variant alleles.
Comment: COL11A1: PP3, BS1

Blueprint Genetics
Classification: Likely benign. Last evaluated: 2024-11-05. Review status: criteria provided, single submitter. Criteria: ACMG Guidelines, 2015. Collection method: clinical testing. Allele origin: germline.

Ambry Genetics
Classification: Uncertain significance for Inborn genetic diseases. Last evaluated: 2024-10-25. Review status: criteria provided, single submitter. Criteria: Ambry Variant Classification Scheme 2023. Collection method: clinical testing. Allele origin: germline.
Comment: The c.4057G>A (p.A1353T) alteration is located in exon 54 (coding exon 54) of the COL11A1 gene. This alteration results from a G to A substitution at nucleotide position 4057, causing the alanine (A) at amino acid position 1353 to be replaced by a threonine (T). The heterozygous missense change is ultra rare in healthy individuals: Based on data from the NHLBI Exome Sequencing Project (ESP), the COL11A1 c.4057G>A alteration was observed in 2 among 13002 total alleles studied (0.02%). Based on data from the Exome Aggregation Consortium (ExAC), the A allele has an overall frequency of approximately 0.06% (57/95,436) total alleles studiedAllele frequency data for this nucleotide position are not currently available from the 1000 Genomes Project. This variant is reported in the SNPDatabase as rs151249006. Rare missense alleles commonly exhibit a deleterious effect on protein function (Kryukov, 2007; Tennessen, 2012; please note that some variants may appear to be rare due to ethnic underrepresentation in the database). IF USED, PULL THESE INTO REFERENCES: Kryukov GV, et al. (2007) Am J Hum Genet 80:727-739. Tennessen JA, et al. (2012) Science 337(64):64-69. The altered amino acid is conserved throughout evolution: The p.A1353 amino acid is conserved in available vertebrate species. In silico prediction is conflicting: The p.A1353T alteration is predicted to be probably damaging by Polyphen and tolerated by SIFT in silico analyses. Based on insufficient or conflicting evidence, the clinical significance of this alteration remains unclear.

GeneDx
Classification: Likely benign. Last evaluated: 2020-12-11. Review status: criteria provided, single submitter. Criteria: GeneDx Variant Classification Process June 2021. Collection method: clinical testing. Allele origin: germline. Affected: yes.

Illumina Laboratory Services, Illumina
Classification: Uncertain significance for Fibrochondrogenesis 1. Last evaluated: 2018-01-13. Review status: criteria provided, single submitter. Criteria: ICSL Variant Classification Criteria 13 December 2019. Collection method: clinical testing. Allele origin: germline.

Illumina Laboratory Services, Illumina
Classification: Uncertain significance for Stickler syndrome type 2. Last evaluated: 2018-01-13. Review status: criteria provided, single submitter. Criteria: ICSL Variant Classification Criteria 13 December 2019. Collection method: clinical testing. Allele origin: germline.

Eurofins Ntd Llc (ga)
Classification: Uncertain significance. Last evaluated: 2016-07-08. Review status: criteria provided, single submitter. Criteria: EGL Classification Definitions 2015. Collection method: clinical testing. Allele origin: germline. Observed: 3 variant alleles, 3 heterozygotes.

PreventionGenetics, part of Exact Sciences
Classification: Benign for COL11A1-related condition. Last evaluated: 2019-06-13. Review status: no assertion criteria provided. Collection method: clinical testing. Allele origin: germline. Not counted in ClinVar's aggregate classification.
Comment: This variant is classified as benign based on ACMG/AMP sequence variant interpretation guidelines (Richards et al. 2015 PMID: 25741868, with internal and published modifications).

NM_001854.4(COL11A1):c.4057G>A (p.Ala1353Thr)

Gene: COL11A1 (collagen type XI alpha 1 chain; minus strand). Cytogenetic location: 1p21.1.
Variant type: single nucleotide variant.
Coding change: c.4057G>A on transcript NM_001854.4 (MANE Select); coding-DNA position 4057, G replaced by A.
Protein change: p.Ala1353Thr; replaces alanine 1353 with threonine.
Molecular consequence: missense variant. On other transcripts: non-coding transcript variant (1).
Genome position (GRCh38, 1-based): chr1:102,912,188, C>T on the plus strand (G>A on the coding strand, the complement: COL11A1 is on the minus strand). VCF-style: chr1-102912188-C-T. GRCh37 (hg19) VCF-style: chr1-103377744-C-T.
Other names: c.3940G>A, p.Ala1314Thr (NM_001190709.2); c.4093G>A, p.Ala1365Thr (NM_080629.3); c.3709G>A, p.Ala1237Thr (NM_080630.4); short protein forms A1365T, A1353T, A1237T, A1314T.
Identifiers: ClinVar variation 197964 (VCV000197964.48), dbSNP rs151249006, ClinGen allele CA246381.